The following is an entry in ClinVar:

ClinVar aggregate classification (germline): Uncertain significance. Review status: criteria provided, multiple submitters, no conflicts (2 of 4 stars). 3 submissions from 3 submitters: Uncertain significance (3). Last evaluated 2025-09-21.

Conditions:
Inborn genetic diseases. Identifiers: MedGen C0950123, MeSH D030342.

gnomAD v4.1: 3 of 1,614,072 alleles (0.00019%); highest among the groups gnomAD compares: African/African-American, 0.004%; no homozygotes.

Submissions (3):

Ambry Genetics
Classification: Uncertain significance for Inborn genetic diseases. Last evaluated: 2025-09-21. Review status: criteria provided, single submitter. Criteria: Ambry Variant Classification Scheme 2023. Collection method: clinical testing. Allele origin: germline.
Comment: The p.Q1110R variant (also known as c.3329A>G), located in coding exon 13 of the ASXL1 gene, results from an A to G substitution at nucleotide position 3329. The glutamine at codon 1110 is replaced by arginine, an amino acid with highly similar properties. This amino acid position is conserved. In addition, this alteration is predicted to be tolerated by in silico analysis. Based on the available evidence, the clinical significance of this variant remains unclear.

Labcorp Genetics (formerly Invitae), Labcorp
Classification: Uncertain significance. Last evaluated: 2024-12-24. Review status: criteria provided, single submitter. Criteria: Invitae Variant Classification Sherloc (09022015). Collection method: clinical testing. Allele origin: germline.
Comment: This sequence change replaces glutamine, which is neutral and polar, with arginine, which is basic and polar, at codon 1110 of the ASXL1 protein (p.Gln1110Arg). This variant is not present in population databases (gnomAD no frequency). This variant has not been reported in the literature in individuals affected with ASXL1-related conditions. An algorithm developed to predict the effect of missense changes on protein structure and function (PolyPhen-2) suggests that this variant is likely to be tolerated. In summary, the available evidence is currently insufficient to determine the role of this variant in disease. Therefore, it has been classified as a Variant of Uncertain Significance.

GeneDx
Classification: Uncertain significance. Last evaluated: 2023-11-02. Review status: criteria provided, single submitter. Criteria: GeneDx Variant Classification Process June 2021. Collection method: clinical testing. Allele origin: germline. Affected: yes.
Comment: Not observed at significant frequency in large population cohorts (gnomAD); In silico analysis supports that this missense variant has a deleterious effect on protein structure/function; Has not been previously published as pathogenic or benign to our knowledge

NM_015338.6(ASXL1):c.3329A>G (p.Gln1110Arg)

Gene: ASXL1 (ASXL transcriptional regulator 1; plus strand). Cytogenetic location: 20q11.21.
Variant type: single nucleotide variant.
Coding change: c.3329A>G on transcript NM_015338.6 (MANE Select); coding-DNA position 3329, A replaced by G.
Protein change: p.Gln1110Arg; replaces glutamine 1110 with arginine.
Molecular consequence: missense variant.
Genome position (GRCh38, 1-based): chr20:32,436,041, A>G. VCF-style: chr20-32436041-A-G. GRCh37 (hg19) VCF-style: chr20-31023844-A-G.
Other names: c.3146A>G, p.Gln1049Arg (NM_001363734.1); short protein forms Q1049R, Q1110R.
Identifiers: ClinVar variation 3363852 (VCV003363852.4).
Genomic context (GRCh38, chr20:32,436,041, plus strand): 5'-GAGCCGTGTGCCTGTCCATGCCTGGGTCCTCAGTGGAGGCCACTAACCCACTTGTGATGC[A>G]GTTGCTGCAGGGTAGCTTGCCCCTAGAGAAGGTTCTTCCACCAGCCCACGATGACAGCAT-3'
Protein context (NP_056153.2, residues 1100-1120): SVEATNPLVM[Gln1110Arg]LLQGSLPLEK